The following is an entry in ClinVar:

NM_001127453.2(GSDME):c.1028C>T (p.Ala343Val)

Gene: GSDME (gasdermin E; minus strand). Cytogenetic location: 7p15.3.
Variant type: single nucleotide variant.
Coding change: c.1028C>T on transcript NM_001127453.2 (MANE Select); coding-DNA position 1028, C replaced by T.
Protein change: p.Ala343Val; replaces alanine 343 with valine.
Molecular consequence: missense variant.
Genome position (GRCh38, 1-based): chr7:24,706,339, G>A on the plus strand (C>T on the coding strand, the complement: GSDME is on the minus strand). VCF-style: chr7-24706339-G-A. GRCh37 (hg19) VCF-style: chr7-24745958-G-A.
Other names: c.1028C>T (NM_004403.2); c.536C>T, p.Ala179Val (NM_001127454.2); c.1028C>T, p.Ala343Val (NM_004403.3); short protein forms A179V, A343V.
Identifiers: ClinVar variation 1936081 (VCV001936081.7), dbSNP rs1024762415, ClinGen allele CA155341606.

ClinVar aggregate classification (germline): Uncertain significance. Review status: criteria provided, multiple submitters, no conflicts (2 of 4 stars). 3 submissions from 3 submitters: Uncertain significance (3). Last evaluated 2026-09-02.

Conditions:
Inborn genetic diseases. Identifiers: MedGen C0950123, MeSH D030342.
GSDME-related disorder. Also called: GSDME-related condition.

Allele frequency attached by ClinVar (database versions not stated): gnomAD exomes 0.00001; gnomAD 0.00002; TOPMed 0.00005.
gnomAD v4.1: 23 of 1,613,156 alleles (0.0014%); highest among the groups gnomAD compares: African/African-American, 0.0067%; no homozygotes.

Submissions (3):

PreventionGenetics, part of Exact Sciences
Classification: Uncertain significance for GSDME-related condition. Last evaluated: 2026-09-02. Review status: criteria provided, single submitter. Criteria: ACMG Guidelines, 2015. Collection method: clinical testing. Allele origin: germline.
Comment: The GSDME c.1028C>T variant is predicted to result in the amino acid substitution p.Ala343Val. To our knowledge, this variant has not been reported in the literature. This variant is reported in 0.0063% of alleles in individuals of African descent in gnomAD. At this time, the clinical significance of this variant is uncertain due to the absence of conclusive functional and genetic evidence.

Ambry Genetics
Classification: Uncertain significance for Inborn genetic diseases. Last evaluated: 2025-04-14. Review status: criteria provided, single submitter. Criteria: Ambry Variant Classification Scheme 2023. Collection method: clinical testing. Allele origin: germline.

Labcorp Genetics (formerly Invitae), Labcorp
Classification: Uncertain significance. Last evaluated: 2024-09-14. Review status: criteria provided, single submitter. Criteria: Invitae Variant Classification Sherloc (09022015). Collection method: clinical testing. Allele origin: germline.
Comment: This sequence change replaces alanine, which is neutral and non-polar, with valine, which is neutral and non-polar, at codon 343 of the DFNA5 protein (p.Ala343Val). This variant is present in population databases (no rsID available, gnomAD 0.007%). This variant has not been reported in the literature in individuals affected with DFNA5-related conditions. ClinVar contains an entry for this variant (Variation ID: 1936081). An algorithm developed to predict the effect of missense changes on protein structure and function outputs the following: PolyPhen-2: "Benign". The valine amino acid residue is found in multiple mammalian species, which suggests that this missense change does not adversely affect protein function. In summary, the available evidence is currently insufficient to determine the role of this variant in disease. Therefore, it has been classified as a Variant of Uncertain Significance.